The following is an entry in ClinVar:

ClinVar aggregate classification (germline): Likely pathogenic (1 of 4 stars; one submission).

Conditions:
Dilated cardiomyopathy 1G (CMD1G). Identifiers: Orphanet 154, MedGen C1858763, MONDO:0011400, OMIM 604145.
Autosomal recessive limb-girdle muscular dystrophy type 2J (LGMDR10). Also called: Limb-girdle muscular dystrophy, type 2J; MUSCULAR DYSTROPHY, LIMB-GIRDLE, AUTOSOMAL RECESSIVE 10. Identifiers: Orphanet 140922, MedGen C1837342, MONDO:0012127, OMIM 608807.

Submission:

Labcorp Genetics (formerly Invitae), Labcorp
Classification: Likely pathogenic for Dilated cardiomyopathy 1G; Autosomal recessive limb-girdle muscular dystrophy type 2J. Last evaluated: 2024-05-21. Review status: criteria provided, single submitter. Criteria: Invitae Variant Classification Sherloc (09022015). Collection method: clinical testing. Allele origin: germline.
Comment: This sequence change creates a premature translational stop signal (p.Trp29245*) in the TTN gene. While this is not anticipated to result in nonsense mediated decay, it is expected to create a truncated TTN protein. This variant is not present in population databases (gnomAD no frequency). This variant has not been reported in the literature in individuals affected with TTN-related conditions. This variant is located in the A band of TTN (PMID: 25589632). Truncating variants in this region are significantly overrepresented in patients affected with dilated cardiomyopathy (PMID: 25589632). Truncating variants in this region have also been reported in individuals affected with autosomal recessive centronuclear myopathy (PMID: 23975875). In summary, the currently available evidence indicates that the variant is pathogenic, but additional data are needed to prove that conclusively. Therefore, this variant has been classified as Likely Pathogenic.

Literature cited by the submitters: PubMed 25589632; PubMed 23975875.

NM_001267550.2(TTN):c.87735G>A (p.Trp29245Ter)

Genes: TTN-AS1 (TTN antisense RNA 1; plus strand), TTN (titin; minus strand). Cytogenetic location: 2q31.2.
Variant type: single nucleotide variant.
Coding change: c.87735G>A on transcript NM_001267550.2 (MANE Select); coding-DNA position 87735, G replaced by A.
Protein change: p.Trp29245Ter; replaces tryptophan 29245 with a stop codon.
Molecular consequence: nonsense.
Genome position (GRCh38, 1-based): chr2:178,557,527, C>T on the plus strand (G>A on the coding strand, the complement: TTN is on the minus strand). VCF-style: chr2-178557527-C-T. GRCh37 (hg19) VCF-style: chr2-179422254-C-T.
Other names: c.82812G>A, p.Trp27604Ter (NM_001256850.1); c.60540G>A, p.Trp20180Ter (NM_003319.4); c.80031G>A, p.Trp26677Ter (NM_133378.4); c.60915G>A, p.Trp20305Ter (NM_133432.3); c.61116G>A, p.Trp20372Ter (NM_133437.4); short protein forms W20180*, W20305*, W20372*, W26677*, W27604*, W29245*.
Identifiers: ClinVar variation 3756360 (VCV003756360.2).